The following is an entry in ClinVar:

NM_002439.5(MSH3):c.1915T>C (p.Phe639Leu)

Gene: MSH3 (mutS homolog 3; plus strand). Cytogenetic location: 5q14.1.
Variant type: single nucleotide variant.
Coding change: c.1915T>C on transcript NM_002439.5 (MANE Select); coding-DNA position 1915, T replaced by C.
Protein change: p.Phe639Leu; replaces phenylalanine 639 with leucine.
Molecular consequence: missense variant.
Genome position (GRCh38, 1-based): chr5:80,767,951, T>C. VCF-style: chr5-80767951-T-C. GRCh37 (hg19) VCF-style: chr5-80063770-T-C.
Other names: c.1915T>C (NM_002439.3); short protein forms F639L.
Identifiers: ClinVar variation 1350069 (VCV001350069.9), dbSNP rs1744150214, ClinGen allele CA360277465.
Genomic context (GRCh38, chr5:80,767,951, plus strand): 5'-ATGTATCTTATGCTATTTCATAAAAAATATTTCTATTTTCAGTGTTCTACCCAAGAGTTC[T>C]TCTTGATTGTCAAAACTTTATATCACCTAAAGTCAGAATTTCAAGCAATAATACCTGCTG-3'
Protein context (NP_002430.3, residues 629-649): YHKKCSTQEF[Phe639Leu]LIVKTLYHLK

ClinVar aggregate classification (germline): Uncertain significance. Review status: criteria provided, multiple submitters, no conflicts (2 of 4 stars). 2 submissions from 2 submitters: Uncertain significance (2). Last evaluated 2023-07-27.

Conditions:
Hereditary cancer-predisposing syndrome. Also called: Hereditary neoplastic syndrome; Tumor predisposition; Neoplastic Syndromes, Hereditary; Hereditary Cancer Syndrome. Identifiers: Orphanet 140162, MedGen C0027672, MeSH D009386, MONDO:0015356.

Submissions (2):

Ambry Genetics
Classification: Uncertain significance for Hereditary cancer-predisposing syndrome. Last evaluated: 2023-07-27. Review status: criteria provided, single submitter. Criteria: Ambry Variant Classification Scheme 2023. Collection method: clinical testing. Allele origin: germline.
Comment: The p.F639L variant (also known as c.1915T>C), located in coding exon 14 of the MSH3 gene, results from a T to C substitution at nucleotide position 1915. The phenylalanine at codon 639 is replaced by leucine, an amino acid with highly similar properties. This amino acid position is conserved. In addition, the in silico prediction for this alteration is inconclusive. Since supporting evidence is limited at this time, the clinical significance of this alteration remains unclear.

Labcorp Genetics (formerly Invitae), Labcorp
Classification: Uncertain significance. Last evaluated: 2021-04-29. Review status: criteria provided, single submitter. Criteria: Invitae Variant Classification Sherloc (09022015). Collection method: clinical testing. Allele origin: germline.
Comment: This variant is not present in population databases (ExAC no frequency). This variant has not been reported in the literature in individuals with MSH3-related conditions. Algorithms developed to predict the effect of missense changes on protein structure and function are either unavailable or do not agree on the potential impact of this missense change (SIFT: "Deleterious"; PolyPhen-2: "Benign"; Align-GVGD: "Class C0"). In summary, the available evidence is currently insufficient to determine the role of this variant in disease. Therefore, it has been classified as a Variant of Uncertain Significance. This sequence change replaces phenylalanine with leucine at codon 639 of the MSH3 protein (p.Phe639Leu). The phenylalanine residue is moderately conserved and there is a small physicochemical difference between phenylalanine and leucine.